The following is an entry in ClinVar:

NM_000302.4(PLOD1):c.579+3A>C

Gene: PLOD1 (procollagen-lysine,2-oxoglutarate 5-dioxygenase 1; plus strand). Cytogenetic location: 1p36.22.
Variant type: single nucleotide variant.
Coding change: c.579+3A>C on transcript NM_000302.4 (MANE Select); 3 bases into the intron after coding-DNA position 579, A replaced by C.
Molecular consequence: intron variant.
Genome position (GRCh38, 1-based): chr1:11,952,738, A>C. VCF-style: chr1-11952738-A-C. GRCh37 (hg19) VCF-style: chr1-12012795-A-C.
Other names: c.720+3A>C (NM_001316320.2).
Identifiers: ClinVar variation 846180 (VCV000846180.8), dbSNP rs1645712158, ClinGen allele CA916081995.

ClinVar aggregate classification (germline): Uncertain significance (1 of 4 stars; one submission).

Conditions:
Ehlers-Danlos syndrome, kyphoscoliotic type 1 (EDSKSCL1). Also called: EHLERS-DANLOS SYNDROME, TYPE VIA; EHLERS-DANLOS SYNDROME, OCULAR-SCOLIOTIC TYPE; Ehlers-Danlos syndrome, hydroxylysine-deficient; PLOD1-Related Kyphoscoliotic Ehlers-Danlos Syndrome. Identifiers: Orphanet 1900, MedGen C0268342, MONDO:0016002, OMIM 225400. Disease mechanism: loss of function.

Submission:

Labcorp Genetics (formerly Invitae), Labcorp
Classification: Uncertain significance for Ehlers-Danlos syndrome, kyphoscoliotic type 1. Last evaluated: 2019-03-06. Review status: criteria provided, single submitter. Criteria: Invitae Variant Classification Sherloc (09022015). Collection method: clinical testing. Allele origin: germline.
Comment: This sequence change falls in intron 5 of the PLOD1 gene. It does not directly change the encoded amino acid sequence of the PLOD1 protein, but it affects a nucleotide within the consensus splice site of the intron. In summary, the available evidence is currently insufficient to determine the role of this variant in disease. Therefore, it has been classified as a Variant of Uncertain Significance. Nucleotide substitutions within the consensus splice site are a relatively common cause of aberrant splicing (PMID: 17576681, 9536098). Algorithms developed to predict the effect of sequence changes on RNA splicing suggest that this variant may disrupt the consensus splice site, but this prediction has not been confirmed by published transcriptional studies. This variant has not been reported in the literature in individuals with PLOD1-related conditions. This variant is not present in population databases (ExAC no frequency).

Literature cited by the submitters: PubMed 17576681; PubMed 9536098.